The following is an entry in ClinVar:

NM_006031.6(PCNT):c.4522C>T (p.Gln1508Ter)

Gene: PCNT (pericentrin; plus strand). Cytogenetic location: 21q22.3.
Variant type: single nucleotide variant.
Coding change: c.4522C>T on transcript NM_006031.6 (MANE Select); coding-DNA position 4522, C replaced by T.
Protein change: p.Gln1508Ter; replaces glutamine 1508 with a stop codon.
Molecular consequence: nonsense.
Genome position (GRCh38, 1-based): chr21:46,398,089, C>T. VCF-style: chr21-46398089-C-T. GRCh37 (hg19) VCF-style: chr21-47818003-C-T.
Other names: c.4168C>T, p.Gln1390Ter (NM_001315529.2); short protein forms Q1390*, Q1508*.
Identifiers: ClinVar variation 4876229 (VCV004876229.3).

ClinVar aggregate classification (germline): Pathogenic/Likely pathogenic. Review status: criteria provided, multiple submitters, no conflicts (2 of 4 stars). 2 submissions from 2 submitters: Pathogenic (1); Likely pathogenic (1). Last evaluated 2025-10-07.

Conditions:
Microcephalic osteodysplastic primordial dwarfism type II (MOPD2). Also called: MOPD II; OSTEODYSPLASTIC PRIMORDIAL DWARFISM, TYPE II; Microcephalic osteodysplastic primordial dwarfism with tooth abnormalities. Identifiers: Orphanet 2637, MedGen C0432246, MONDO:0008872, OMIM 210720.

Submissions (2):

Dasa
Classification: Likely pathogenic. Last evaluated: 2025-10-07. Review status: criteria provided, single submitter. Criteria: DASA Assertion Criteria. Collection method: clinical testing. Allele origin: germline.
Comment: NM_006031.6(PCNT):c.4522C>T (p.Gln1508*) is a nonsense variant in PCNT predicted to introduce a premature termination codon and is predicted to result in an absent or altered protein product. Loss of function is an established disease mechanism for PCNT-associated disorders. Also, this variant is rare in population databases. Based on the currently available evidence, this variant is classified as likely pathogenic.

Cormier-Daire Lab, IMAGINE
Classification: Pathogenic for Microcephalic osteodysplastic primordial dwarfism type II. Review status: criteria provided, single submitter. Criteria: ACMG Guidelines, 2015. Collection method: research. Allele origin: germline. Inheritance: Autosomal recessive inheritance. Affected: yes. Observed: 1 variant allele, 1 homozygote.
Comment: The c.4522C>T variant is absent from control population databases, including the Genome Aggregation Database (gnomAD), the Exome Sequencing Project, the 1000 Genomes Project, and the Exome Aggregation Consortium, and is classified as class 5 (pathogenic) according to ACMG criteria (PVS1, PM2, PP3, PP4). It generates a premature STOP codon at position 1508, leading to nonsense-mediated mRNA decay and loss of protein production.